The following is an entry in ClinVar:

NM_001374736.1(DST):c.17301A>C (p.Lys5767Asn)

Gene: DST (dystonin; minus strand). Cytogenetic location: 6p12.1.
Variant type: single nucleotide variant.
Coding change: c.17301A>C on transcript NM_001374736.1 (MANE Select); coding-DNA position 17301, A replaced by C.
Protein change: p.Lys5767Asn; replaces lysine 5767 with asparagine.
Molecular consequence: missense variant. On other transcripts: intron variant (2).
Genome position (GRCh38, 1-based): chr6:56,529,742, T>G on the plus strand (A>C on the coding strand, the complement: DST is on the minus strand). VCF-style: chr6-56529742-T-G. GRCh37 (hg19) VCF-style: chr6-56394540-T-G.
Other names: c.10944A>C, p.Lys3648Asn (NM_001144769.5); c.10530A>C, p.Lys3510Asn (NM_001144770.2); c.17301A>C, p.Lys5767Asn (NM_001374722.1); c.17328A>C, p.Lys5776Asn (NM_001374734.1); c.10410A>C, p.Lys3470Asn (NM_001386100.1, NM_183380.4); c.9432A>C, p.Lys3144Asn (NM_015548.5); c.10377+232A>C (NM_001374730.1); c.16635+232A>C (NM_001374729.1); short protein forms K5776N, K3470N, K3510N, K5767N, K3144N, K3648N.
Identifiers: ClinVar variation 1790059 (VCV001790059.7), dbSNP rs747041151, ClinGen allele CA139190331.

ClinVar aggregate classification (germline): Uncertain significance. Review status: criteria provided, multiple submitters, no conflicts (2 of 4 stars). 2 submissions from 2 submitters: Uncertain significance (2). Last evaluated 2022-04-08.

Conditions:
Inborn genetic diseases. Identifiers: MedGen C0950123, MeSH D030342.
Epidermolysis bullosa simplex 3, localized or generalized intermediate, with BP230 deficiency (EBS3). Also called: Epidermolysis bullosa simplex, autosomal recessive 2; Epidermolysis bullosa simplex due to BP230 deficiency. Identifiers: Orphanet 412181, MedGen C3809470, MONDO:0014180, OMIM 615425.
Hereditary sensory and autonomic neuropathy type 6. Also called: HSAN VI; Neuropathy, hereditary sensory and autonomic, type VI. Identifiers: Orphanet 314381, MedGen C3539003, MONDO:0013839, OMIM 614653.

Allele frequency attached by ClinVar (database versions not stated): gnomAD exomes below 0.00001; gnomAD 0.00003; TOPMed 0.00004.
gnomAD v4.1: 5 of 1,594,798 alleles (0.00031%); highest among the groups gnomAD compares: Admixed American, 0.007%; no homozygotes.

Submissions (2):

Labcorp Genetics (formerly Invitae), Labcorp
Classification: Uncertain significance for Epidermolysis bullosa simplex 3, localized or generalized intermediate, with BP230 deficiency; Hereditary sensory and autonomic neuropathy type 6. Last evaluated: 2022-04-08. Review status: criteria provided, single submitter. Criteria: Invitae Variant Classification Sherloc (09022015). Collection method: clinical testing. Allele origin: germline.
Comment: In summary, the available evidence is currently insufficient to determine the role of this variant in disease. Therefore, it has been classified as a Variant of Uncertain Significance. Experimental studies and prediction algorithms are not available or were not evaluated, and the functional significance of this variant is currently unknown. This variant has not been reported in the literature in individuals affected with DST-related conditions. This variant is not present in population databases (gnomAD no frequency). This sequence change replaces lysine, which is basic and polar, with asparagine, which is neutral and polar, at codon 3144 of the DST protein (p.Lys3144Asn). The DST gene has multiple clinically relevant transcripts. This variant occurs in alternate transcript NM_015548.4, and corresponds to NM_001723.5:c.c.*85775A>C in the primary transcript.

Ambry Genetics
Classification: Uncertain significance for Inborn genetic diseases. Last evaluated: 2020-02-10. Review status: criteria provided, single submitter. Criteria: Ambry Variant Classification Scheme 2023. Collection method: clinical testing. Allele origin: germline.
Comment: The p.K3648N variant (also known as c.10944A>C), located in coding exon 60 of the DST gene, results from an A to C substitution at nucleotide position 10944. The lysine at codon 3648 is replaced by asparagine, an amino acid with similar properties. This amino acid position is well conserved in available vertebrate species. In addition, this alteration is predicted to be tolerated by in silico analysis. Since supporting evidence is limited at this time, the clinical significance of this alteration remains unclear.